The following is an entry in ClinVar:

ClinVar aggregate classification (germline): Likely benign (1 of 4 stars; one submission).

Submission:

CeGaT Center for Human Genetics Tuebingen
Classification: Likely benign. Last evaluated: 2023-07-01. Review status: criteria provided, single submitter. Criteria: CeGaT Center For Human Genetics Tuebingen Variant Classification Criteria Version 2. Collection method: clinical testing. Allele origin: germline. Affected: yes. Observed: 1 variant allele.
Comment: FOXP1: BS1

NM_001349338.3(FOXP1):c.*3192del

Gene: FOXP1 (forkhead box P1; minus strand). Cytogenetic location: 3p13.
Variant type: Deletion.
Coding change: c.*3192del on transcript NM_001349338.3 (MANE Select); 3192 bases downstream of the stop codon, one base deleted (A; older notation c.*3192delA).
Molecular consequence: 3 prime UTR variant. On other transcripts: non-coding transcript variant (2).
Genome position (GRCh38, 1-based): chr3:70,956,055, T deleted on the plus strand (A on the coding strand, the reverse complement: FOXP1 is on the minus strand); the first of 8 consecutive T bases (chr3:70,956,055-70,956,062); deleting any one gives the same sequence. VCF-style (leftmost placement, unchanged base first): chr3-70956054-GT-G. GRCh37 (hg19) VCF-style: chr3-71005205-GT-G.
Other names: c.*3192del (NM_001244808.3, NM_001244810.2, NM_001244812.3 and 12 more transcripts).
Identifiers: ClinVar variation 346574 (VCV000346574.30), dbSNP rs535202716, ClinGen allele CA10619512.